The following is an entry in ClinVar:

ClinVar aggregate classification (germline): Conflicting classifications of pathogenicity. Review status: criteria provided, conflicting classifications (1 of 4 stars). 3 submissions from 3 submitters: Uncertain significance (2); Benign (1). Last evaluated 2026-01-19.

Conditions:
Glaucoma 3A. Also called: Glaucoma 3, primary congenital, A. Identifiers: Orphanet 98976, Orphanet 98977, MedGen C1856439, MONDO:0009277, OMIM 231300.
Glaucoma 3, primary infantile, B. Also called: GLC3B; GLAUCOMA, PRIMARY CONGENITAL, TYPE B; GLC3 type B; Primary congenital glaucoma type 3B; Glaucoma primary congenita type 3B. Identifiers: Orphanet 98976, MedGen C1832977, MONDO:0010968, OMIM 600975.
Anterior segment dysgenesis 6 (ASGD6). Also called: Anterior segment dysgenesis 6, multiple subtypes. Identifiers: MedGen C4310623, MONDO:0015016, OMIM 617315.
Congenital glaucoma. Identifiers: MedGen C0020302, MONDO:0020366.

Allele frequency attached by ClinVar (database versions not stated): gnomAD 0.00011 and 0.00008; 1000 Genomes Project 30x 0.00125; gnomAD exomes 0.00019; 1000 Genomes Project 0.00120; ExAC 0.00021; TOPMed 0.00012.
gnomAD v4.1: 80 of 1,607,498 alleles (0.005%); highest among the groups gnomAD compares: East Asian, 0.17%; no homozygotes.

Submissions (3):

Labcorp Genetics (formerly Invitae), Labcorp
Classification: Benign for Congenital glaucoma. Last evaluated: 2026-01-19. Review status: criteria provided, single submitter. Criteria: Invitae Variant Classification Sherloc (09022015). Collection method: clinical testing. Allele origin: germline.

Fulgent Genetics
Classification: Uncertain significance for Glaucoma 3A; Glaucoma 3, primary infantile, B; Anterior segment dysgenesis 6. Last evaluated: 2022-03-23. Review status: criteria provided, single submitter. Criteria: ACMG Guidelines, 2015. Collection method: clinical testing. Allele origin: unknown.

Women's Health and Genetics/Laboratory Corporation of America, LabCorp
Classification: Uncertain significance. Last evaluated: 2022-02-09. Review status: criteria provided, single submitter. Criteria: LabCorp Variant Classification Summary - May 2015. Collection method: clinical testing. Allele origin: germline.
Comment: Variant summary: CYP1B1 c.859G>A (p.Ala287Thr) results in a non-conservative amino acid change in the encoded protein sequence. Four of five in-silico tools predict a benign effect of the variant on protein function. The variant allele was found at a frequency of 0.00019 in 233984 control chromosomes (gnomAD, publications), predominantly at a frequency of 0.0025 within the East Asian subpopulation in the gnomAD database. This frequency is not significantly higher than expected for a pathogenic variant in CYP1B1 causing Primary Congenital Glaucoma (0.0025 vs 0.0043), allowing no conclusion about variant significance. c.859G>A has been reported in the literature in individuals affected with Primary open angle Glaucoma, without second allele reported or other strong evidence for causality (Chen_2008, Gong_2015, Liu_2020). To our knowledge, no experimental evidence demonstrating an impact on protein function has been reported. One ClinVar submitter has assessed the variant since 2014: the variant was classified as of uncertain significance. Based on the evidence outlined above, the variant was classified as VUS.

Literature cited by the submitters: PubMed 18852424 (cited by Women's Health and Genetics/Laboratory Corporation of America, LabCorp); PubMed 25527694 (cited by Women's Health and Genetics/Laboratory Corporation of America, LabCorp); PubMed 32476818 (cited by Women's Health and Genetics/Laboratory Corporation of America, LabCorp).

NM_000104.4(CYP1B1):c.859G>A (p.Ala287Thr)

Gene: CYP1B1 (cytochrome P450 family 1 subfamily B member 1; minus strand). Cytogenetic location: 2p22.2.
Variant type: single nucleotide variant.
Coding change: c.859G>A on transcript NM_000104.4 (MANE Select); coding-DNA position 859, G replaced by A.
Protein change: p.Ala287Thr; replaces alanine 287 with threonine.
Molecular consequence: missense variant.
Genome position (GRCh38, 1-based): chr2:38,074,530, C>T on the plus strand (G>A on the coding strand, the complement: CYP1B1 is on the minus strand). VCF-style: chr2-38074530-C-T. GRCh37 (hg19) VCF-style: chr2-38301673-C-T.
Other names: short protein forms A287T.
Identifiers: ClinVar variation 1335386 (VCV001335386.9), dbSNP rs201544164, ClinGen allele CA1619948.